The following is an entry in ClinVar:

NM_005142.3(CBLIF):c.1055G>A (p.Arg352His)

Gene: CBLIF (cobalamin binding intrinsic factor; minus strand). Cytogenetic location: 11q12.1.
Variant type: single nucleotide variant.
Coding change: c.1055G>A on transcript NM_005142.3 (MANE Select); coding-DNA position 1055, G replaced by A.
Protein change: p.Arg352His; replaces arginine 352 with histidine.
Molecular consequence: missense variant.
Genome position (GRCh38, 1-based): chr11:59,835,826, C>T on the plus strand (G>A on the coding strand, the complement: CBLIF is on the minus strand). VCF-style: chr11-59835826-C-T. GRCh37 (hg19) VCF-style: chr11-59603299-C-T.
Other names: short protein forms R352H.
Identifiers: ClinVar variation 955587 (VCV000955587.5), dbSNP rs771992791, ClinGen allele CA6021422.

ClinVar aggregate classification (germline): Uncertain significance. Review status: criteria provided, multiple submitters, no conflicts (2 of 4 stars). 2 submissions from 2 submitters: Uncertain significance (2). Last evaluated 2025-12-04.

Conditions:
Hereditary intrinsic factor deficiency (IFD). Also called: PERNICIOUS ANEMIA, CONGENITAL, DUE TO DEFECT OF INTRINSIC FACTOR; Congenital intrinsic factor deficiency. Identifiers: Orphanet 332, MedGen C2062370, MONDO:0009852, OMIM 261000.

Allele frequency attached by ClinVar (database versions not stated): gnomAD exomes 0.00003 and 0.00006; gnomAD 0.00005 and 0.00006; TOPMed 0.00005; ExAC 0.00007.
gnomAD v4.1: 51 of 1,612,568 alleles (0.0032%); highest among the groups gnomAD compares: Admixed American, 0.015%; no homozygotes.

Submissions (2):

Ambry Genetics
Classification: Uncertain significance. Last evaluated: 2025-12-04. Review status: criteria provided, single submitter. Criteria: Ambry Variant Classification Scheme 2023. Collection method: clinical testing. Allele origin: germline.

Labcorp Genetics (formerly Invitae), Labcorp
Classification: Uncertain significance for Hereditary intrinsic factor deficiency. Last evaluated: 2021-08-26. Review status: criteria provided, single submitter. Criteria: Invitae Variant Classification Sherloc (09022015). Collection method: clinical testing. Allele origin: germline.
Comment: This sequence change replaces arginine with histidine at codon 352 of the GIF protein (p.Arg352His). The arginine residue is moderately conserved and there is a small physicochemical difference between arginine and histidine. This variant is present in population databases (rs771992791, ExAC 0.02%). This variant has not been reported in the literature in individuals affected with GIF-related conditions. Algorithms developed to predict the effect of missense changes on protein structure and function output the following: SIFT: "Tolerated"; PolyPhen-2: "Benign"; Align-GVGD: "Class C0". The histidine amino acid residue is found in multiple mammalian species, which suggests that this missense change does not adversely affect protein function. In summary, the available evidence is currently insufficient to determine the role of this variant in disease. Therefore, it has been classified as a Variant of Uncertain Significance.